The following is an entry in ClinVar:

NM_001754.5(RUNX1):c.409G>A (p.Asp137Asn)

Genes: RUNX1 (RUNX family transcription factor 1; minus strand), RUNX1-AS1 (RUNX1 antisense RNA 1; plus strand). Cytogenetic location: 21q22.12.
Variant type: single nucleotide variant.
Coding change: c.409G>A on transcript NM_001754.5 (MANE Select); coding-DNA position 409, G replaced by A.
Protein change: p.Asp137Asn; replaces aspartic acid 137 with asparagine.
Molecular consequence: missense variant.
Genome position (GRCh38, 1-based): chr21:34,880,656, C>T on the plus strand (G>A on the coding strand, the complement: RUNX1 is on the minus strand). VCF-style: chr21-34880656-C-T. GRCh37 (hg19) VCF-style: chr21-36252953-C-T.
Other names: c.328G>A, p.Asp110Asn (NM_001001890.3, NM_001122607.2); short protein forms D110N, D137N.
Identifiers: ClinVar variation 4629690 (VCV004629690.1).

ClinVar aggregate classification (germline): Uncertain significance (1 of 4 stars; one submission).

Conditions:
Inborn genetic diseases. Identifiers: MedGen C0950123, MeSH D030342.

gnomAD v4.1: 6 of 1,614,118 alleles (0.00037%); highest among the groups gnomAD compares: South Asian, 0.0066%; 1 homozygote.

Submission:

Ambry Genetics
Classification: Uncertain significance for Inborn genetic diseases. Last evaluated: 2025-10-02. Review status: criteria provided, single submitter. Criteria: Ambry Variant Classification Scheme 2023. Collection method: clinical testing. Allele origin: germline.
Comment: The p.D137N variant (also known as c.409G>A), located in coding exon 4 of the RUNX1 gene, results from a G to A substitution at nucleotide position 409. The aspartic acid at codon 137 is replaced by asparagine, an amino acid with highly similar properties. This amino acid position is highly conserved in available vertebrate species. In addition, the in silico prediction for this alteration is inconclusive. Based on the available evidence, the clinical significance of this variant remains unclear.